The following is an entry in ClinVar:

NM_012310.5(KIF4A):c.1745T>A (p.Leu582His)

Gene: KIF4A (kinesin family member 4A; plus strand). Cytogenetic location: Xq13.1.
Variant type: single nucleotide variant.
Coding change: c.1745T>A on transcript NM_012310.5 (MANE Select); coding-DNA position 1745, T replaced by A.
Protein change: p.Leu582His; replaces leucine 582 with histidine.
Molecular consequence: missense variant.
Genome position (GRCh38, 1-based): chrX:70,374,221, T>A. VCF-style: chrX-70374221-T-A. GRCh37 (hg19) VCF-style: chrX-69594071-T-A.
Other names: short protein forms L582H.
Identifiers: ClinVar variation 560295 (VCV000560295.5), dbSNP rs1045363046, ClinGen allele CA330985810.

ClinVar aggregate classification (germline): Uncertain significance. Review status: criteria provided, single submitter (1 of 4 stars). 2 submissions from 2 submitters: Uncertain significance (1). 1 of the submissions does not count toward it. Last evaluated 2017-04-27.

Conditions:
Intellectual developmental disorder, X-linked 100. Also called: Intellectual disability, X-linked 100. Identifiers: MedGen C3890167, MONDO:0010488, OMIM 300923.

Submissions (2):

Geisinger Autism and Developmental Medicine Institute, Geisinger Health System
Classification: Uncertain significance. Last evaluated: 2017-04-27. Review status: criteria provided, single submitter. Criteria: ACMG Guidelines, 2015. Collection method: provider interpretation, clinical testing. Allele origin: maternal. Observed: 1 variant allele.
Comment: At the time of report, variants in this gene have not been clearly associated with any known human disease. This variant has not been reported previously in the literature, to our knowledge, but an insertion/deletion variant in KIF4A was identified in a family with multiple males with mild to moderate intellectual disability and late childhood-onset epilepsy (Willemsen et al., 2014). The variant is absent from population databases. Computational models predict the variant to be damaging.

OMIM
Classification: Pathogenic for INTELLECTUAL DEVELOPMENTAL DISORDER, X-LINKED 100. Last evaluated: 2023-08-11. Review status: no assertion criteria provided. Collection method: literature only. Allele origin: germline. Not counted in ClinVar's aggregate classification.

Literature cited by the submitters: PubMed 24812067 (cited by Geisinger Autism and Developmental Medicine Institute, Geisinger Health System); PubMed 34346154 (cited by OMIM).